The following is an entry in ClinVar:

ClinVar aggregate classification (germline): Likely pathogenic (1 of 4 stars; one submission).

Conditions:
Intellectual developmental disorder with microcephaly and with or without ocular malformations or hypogonadotropic hypogonadism. Also called: Intellectual disability, autosomal dominant 27; Coffin-Siris Syndrome 9. Identifiers: Orphanet 1465, MedGen C4014528, MONDO:0014376, OMIM 615866.

Submission:

SIB Swiss Institute of Bioinformatics
Classification: Likely pathogenic for Intellectual developmental disorder with microcephaly and with or without ocular malformations or hypogonadotropic hypogonadism. Last evaluated: 2023-03-09. Review status: criteria provided, single submitter. Criteria: ACMG Guidelines, 2015. Collection method: curation. Allele origin: unknown.
Comment: This variant is interpreted as likely pathogenic for Intellectual developmental disorder with microcephaly and with or without ocular malformations or hypogonadotropic hypogonadism, autosomal dominant. The following ACMG Tag(s) were applied: Absent from controls (or at extremely low frequency if recessive) in Exome Sequencing Project, 1000 Genomes Project, or Exome Aggregation Consortium (PM2); De novo paternity and maternity not confirmed (PM6); Located in a mutational hot spot and/or critical and well-established functional domain (e.g., active site of an enzyme) without benign variation (PM1); Multiple lines of computational evidence support a deleterious effect on the gene or gene product (PP3).

Literature cited by the submitters: PubMed 35341651.

NM_003108.4(SOX11):c.326A>C (p.His109Pro)

Gene: SOX11 (SRY-box transcription factor 11; plus strand). Cytogenetic location: 2p25.2.
Variant type: single nucleotide variant.
Coding change: c.326A>C on transcript NM_003108.4 (MANE Select); coding-DNA position 326, A replaced by C.
Protein change: p.His109Pro; replaces histidine 109 with proline.
Molecular consequence: missense variant.
Genome position (GRCh38, 1-based): chr2:5,693,047, A>C. VCF-style: chr2-5693047-A-C. GRCh37 (hg19) VCF-style: chr2-5833179-A-C.
Other names: short protein forms H109P.
Identifiers: ClinVar variation 2443021 (VCV002443021.1), dbSNP rs2465087521, ClinGen allele CA345866461.
Genomic context (GRCh38, chr2:5,693,047, plus strand): 5'-TGCTGAAGGACAGCGAGAAGATCCCGTTCATCCGGGAGGCGGAGCGGCTGCGGCTCAAGC[A>C]CATGGCCGACTACCCCGACTACAAGTACCGGCCCCGGAAAAAGCCCAAAATGGACCCCTC-3'
Protein context (NP_003099.1, residues 99-119): IREAERLRLK[His109Pro]MADYPDYKYR